The following is an entry in ClinVar:

ClinVar aggregate classification (germline): Pathogenic (1 of 4 stars; one submission).

Submission:

Labcorp Genetics (formerly Invitae), Labcorp
Classification: Pathogenic. Last evaluated: 2023-07-12. Review status: criteria provided, single submitter. Criteria: Invitae Variant Classification Sherloc (09022015). Collection method: clinical testing. Allele origin: germline.
Comment: This sequence change creates a premature translational stop signal (p.Arg613Alafs*20) in the TCF12 gene. It is expected to result in an absent or disrupted protein product. Loss-of-function variants in TCF12 are known to be pathogenic (PMID: 23354436, 32620954). For these reasons, this variant has been classified as Pathogenic. This variant has not been reported in the literature in individuals affected with TCF12-related conditions. This variant is not present in population databases (gnomAD no frequency).

Literature cited by the submitters: PubMed 23354436; PubMed 32620954.

NM_207037.2(TCF12):c.1837del (p.Arg613fs)

Gene: TCF12 (transcription factor 12; plus strand). Cytogenetic location: 15q21.3.
Variant type: Deletion.
Coding change: c.1837del on transcript NM_207037.2 (MANE Select); coding-DNA position 1837, one base deleted (C; older notation c.1837delC).
Protein change: p.Arg613fs; shifts the reading frame from arginine 613.
Molecular consequence: frameshift variant.
Genome position (GRCh38, 1-based): chr15:57,273,121, C deleted. VCF-style (leftmost placement, unchanged base first): chr15-57273120-AC-A. GRCh37 (hg19) VCF-style: chr15-57565318-AC-A.
Other names: c.1327del, p.Arg443fs (NM_001306219.3); c.1057del, p.Arg353fs (NM_001306220.3); c.1837del, p.Arg613fs (NM_001322151.2, NM_001322159.3, NM_001322162.2 and 1 more transcripts); c.1834del, p.Arg612fs (NM_001322152.2, NM_001322161.2); c.1180del, p.Arg394fs (NM_001322154.2); c.1663del, p.Arg555fs (NM_001322156.2); c.1765del, p.Arg589fs (NM_001322157.3, NM_001322165.2, NM_003205.4 and 1 more transcripts); c.1591del, p.Arg531fs (NM_001322158.2); and 2 more; short protein forms R353fs, R394fs, R601fs, R443fs, R589fs, R612fs, R419fs, R531fs.
Identifiers: ClinVar variation 2742766 (VCV002742766.3), dbSNP rs2551501239, ClinGen allele CA2697549121.
Genomic context (GRCh38, chr15:57,273,120, plus strand): 5'-TGAACAGAAGATAGAAAGGGAGAAGGAGAGGCGGATGGCTAACAATGCCAGAGAACGCTT[AC>A]GCGTGCGGGATATTAATGAAGCATTCAAAGAGCTTGGCCGAATGTGTCAGCTTCACTTGA-3'